The following is an entry in ClinVar:

ClinVar aggregate classification (germline): Pathogenic (1 of 4 stars; one submission).

Conditions:
Intellectual developmental disorder with language impairment and early-onset DOPA-responsive dystonia-parkinsonism (IDLDP). Identifiers: Orphanet 660017, MedGen C5677001, MONDO:0859257, OMIM 619911.

Submission:

Molecular Genetics Laboratory, Motol Hospital
Classification: Pathogenic for Intellectual developmental disorder with language impairment and early-onset DOPA-responsive dystonia-parkinsonism. Last evaluated: 2025-06-23. Review status: criteria provided, single submitter. Criteria: ACMG Guidelines, 2015. Collection method: clinical testing. Allele origin: de novo. Affected: yes. Observed: 1 variant allele.
Comment: Not present in gnomAD (v4.1.0), dbSNP or ClinVar (PM2). Rare truncating variants affecting the NR4A2 gene are documented as a molecular cause of autosomal dominant "intellectual developmental disorder with language impairment and early-onset dopa-responsive dystonia-parkinsonism" (IDLDP, MIM:619911; PMID:24614104;PMID:29770430;PMID:25326669;PMID:31428396;PMID:28544326;PMID:32366965;PMID:31922365) (PVS1).To conclude, the variant is classified as pathogenic (ACMG PM2, PS2, PVS1).

Literature cited by the submitters: PubMed 24614104; PubMed 29770430; PubMed 25326669; PubMed 31428396; PubMed 28544326; PubMed 32366965; PubMed 31922365.

NM_006186.4(NR4A2):c.460C>T (p.Gln154Ter)

Gene: NR4A2 (nuclear receptor subfamily 4 group A member 2; minus strand). Cytogenetic location: 2q24.1.
Variant type: single nucleotide variant.
Coding change: c.460C>T on transcript NM_006186.4 (MANE Select); coding-DNA position 460, C replaced by T.
Protein change: p.Gln154Ter; replaces glutamine 154 with a stop codon.
Molecular consequence: nonsense.
Genome position (GRCh38, 1-based): chr2:156,329,727, G>A on the plus strand (C>T on the coding strand, the complement: NR4A2 is on the minus strand). VCF-style: chr2-156329727-G-A. GRCh37 (hg19) VCF-style: chr2-157186239-G-A.
Other names: c.271C>T, p.Gln91Ter (NM_173173.3); short protein forms Q154*, Q91*.
Identifiers: ClinVar variation 3912065 (VCV003912065.1).